The following is an entry in ClinVar:

NM_024577.4(SH3TC2):c.1129C>T (p.Arg377Trp)

Gene: SH3TC2 (SH3 domain and tetratricopeptide repeats 2; minus strand). Cytogenetic location: 5q32.
Variant type: single nucleotide variant.
Coding change: c.1129C>T on transcript NM_024577.4 (MANE Select); coding-DNA position 1129, C replaced by T.
Protein change: p.Arg377Trp; replaces arginine 377 with tryptophan.
Molecular consequence: missense variant.
Genome position (GRCh38, 1-based): chr5:149,031,560, G>A on the plus strand (C>T on the coding strand, the complement: SH3TC2 is on the minus strand). VCF-style: chr5-149031560-G-A. GRCh37 (hg19) VCF-style: chr5-148411123-G-A.
Other names: short protein forms R377W.
Identifiers: ClinVar variation 1013625 (VCV001013625.8), dbSNP rs753775570, ClinGen allele CA128990487.

ClinVar aggregate classification (germline): Uncertain significance. Review status: criteria provided, multiple submitters, no conflicts (2 of 4 stars). 3 submissions from 3 submitters: Uncertain significance (3). Last evaluated 2025-12-15.

Conditions:
Inborn genetic diseases. Identifiers: MedGen C0950123, MeSH D030342.
SH3TC2-related disorder. Also called: SH3TC2-related condition; SH3TC2-related disorders. Identifiers: MedGen CN239303.
Charcot-Marie-Tooth disease type 4. Also called: Charcot-Marie-Tooth disease, type IV; Charcot-Marie-Tooth, Type 4. Identifiers: Orphanet 64749, MedGen C4082197, MONDO:0018995.

Allele frequency attached by ClinVar (database versions not stated): gnomAD exomes 0.00002 and 0.00004.
gnomAD v4.1: 61 of 1,613,982 alleles (0.0038%); highest among the groups gnomAD compares: East Asian, 0.0067%; no homozygotes.

Submissions (3):

PreventionGenetics, part of Exact Sciences
Classification: Uncertain significance for SH3TC2-related condition. Last evaluated: 2025-12-15. Review status: criteria provided, single submitter. Criteria: ACMG Guidelines, 2015. Collection method: clinical testing. Allele origin: germline.
Comment: The SH3TC2 c.1129C>T variant is predicted to result in the amino acid substitution p.Arg377Trp. To our knowledge, this variant has not been reported in the literature. This variant is reported in 0.0029% of alleles in individuals of Latino descent in gnomAD. At this time, the clinical significance of this variant is uncertain due to the absence of conclusive functional and genetic evidence.

Ambry Genetics
Classification: Uncertain significance for Inborn genetic diseases. Last evaluated: 2022-04-26. Review status: criteria provided, single submitter. Criteria: Ambry Variant Classification Scheme 2023. Collection method: clinical testing. Allele origin: germline.
Comment: The p.R377W variant (also known as c.1129C>T), located in coding exon 9 of the SH3TC2 gene, results from a C to T substitution at nucleotide position 1129. The arginine at codon 377 is replaced by tryptophan, an amino acid with dissimilar properties. This amino acid position is conserved. In addition, this alteration is predicted to be tolerated by in silico analysis. Since supporting evidence is limited at this time, the clinical significance of this alteration remains unclear.

Labcorp Genetics (formerly Invitae), Labcorp
Classification: Uncertain significance for Charcot-Marie-Tooth disease type 4. Last evaluated: 2022-02-25. Review status: criteria provided, single submitter. Criteria: Invitae Variant Classification Sherloc (09022015). Collection method: clinical testing. Allele origin: germline.
Comment: This sequence change replaces arginine, which is basic and polar, with tryptophan, which is neutral and slightly polar, at codon 377 of the SH3TC2 protein (p.Arg377Trp). This variant is present in population databases (rs753775570, gnomAD 0.003%). This variant has not been reported in the literature in individuals affected with SH3TC2-related conditions. ClinVar contains an entry for this variant (Variation ID: 1013625). Algorithms developed to predict the effect of missense changes on protein structure and function are either unavailable or do not agree on the potential impact of this missense change (SIFT: "Deleterious"; PolyPhen-2: "Benign"; Align-GVGD: "Class C65"). In summary, the available evidence is currently insufficient to determine the role of this variant in disease. Therefore, it has been classified as a Variant of Uncertain Significance.